The following is an entry in ClinVar:

NM_152383.5(DIS3L2):c.1222G>C (p.Val408Leu)

Gene: DIS3L2 (DIS3 like 3'-5' exoribonuclease 2; plus strand). Cytogenetic location: 2q37.1.
Variant type: single nucleotide variant.
Coding change: c.1222G>C on transcript NM_152383.5 (MANE Select); coding-DNA position 1222, G replaced by C.
Protein change: p.Val408Leu; replaces valine 408 with leucine.
Molecular consequence: missense variant. On other transcripts: non-coding transcript variant (2).
Genome position (GRCh38, 1-based): chr2:232,238,550, G>C. VCF-style: chr2-232238550-G-C. GRCh37 (hg19) VCF-style: chr2-233103260-G-C.
Other names: c.1222G>C, p.Val408Leu (NM_001257281.2); short protein forms V408L.
Identifiers: ClinVar variation 2129870 (VCV002129870.4), dbSNP rs2470030341, ClinGen allele CA351154587.

ClinVar aggregate classification (germline): Uncertain significance (1 of 4 stars; one submission).

Conditions:
Perlman syndrome (PRLMNS). Identifiers: Orphanet 2849, MedGen C0796113, MONDO:0009965, OMIM 267000.

Submission:

Labcorp Genetics (formerly Invitae), Labcorp
Classification: Uncertain significance for Perlman syndrome. Last evaluated: 2021-12-02. Review status: criteria provided, single submitter. Criteria: Invitae Variant Classification Sherloc (09022015). Collection method: clinical testing. Allele origin: germline.
Comment: In summary, the available evidence is currently insufficient to determine the role of this variant in disease. Therefore, it has been classified as a Variant of Uncertain Significance. Algorithms developed to predict the effect of missense changes on protein structure and function are either unavailable or do not agree on the potential impact of this missense change (SIFT: "Deleterious"; PolyPhen-2: "Probably Damaging"; Align-GVGD: "Class C0"). This variant has not been reported in the literature in individuals affected with DIS3L2-related conditions. This variant is not present in population databases (gnomAD no frequency). This sequence change replaces valine, which is neutral and non-polar, with leucine, which is neutral and non-polar, at codon 408 of the DIS3L2 protein (p.Val408Leu).